The following is an entry in ClinVar:

NM_198525.3(KIF7):c.541G>A (p.Val181Met)

Gene: KIF7 (kinesin family member 7; minus strand). Cytogenetic location: 15q26.1.
Variant type: single nucleotide variant.
Coding change: c.541G>A on transcript NM_198525.3 (MANE Select); coding-DNA position 541, G replaced by A.
Protein change: p.Val181Met; replaces valine 181 with methionine.
Molecular consequence: missense variant.
Genome position (GRCh38, 1-based): chr15:89,649,356, C>T on the plus strand (G>A on the coding strand, the complement: KIF7 is on the minus strand). VCF-style: chr15-89649356-C-T. GRCh37 (hg19) VCF-style: chr15-90192587-C-T.
Other names: short protein forms V181M.
Identifiers: ClinVar variation 2056797 (VCV002056797.3), dbSNP rs1409898901, ClinGen allele CA393776532.

ClinVar aggregate classification (germline): Uncertain significance. Review status: criteria provided, multiple submitters, no conflicts (2 of 4 stars). 2 submissions from 2 submitters: Uncertain significance (2). Last evaluated 2024-03-04.

Conditions:
Acrocallosal syndrome (ACLS). Also called: HALLUX DUPLICATION, POSTAXIAL POLYDACTYLY, AND ABSENCE OF CORPUS CALLOSUM; Schinzel syndrome 1; Absence of corpus callosum with unusual facial appearance, mental deficiency, duplication of the halluces and polydactyly. Identifiers: Orphanet 36, MedGen C0796147, MONDO:0008708, OMIM 200990.
Multiple epiphyseal dysplasia, Al-Gazali type. Also called: Macrocephaly with multiple epiphyseal dysplasia and distinctive facies. Identifiers: Orphanet 166024, MedGen C1846722, MONDO:0011778, OMIM 607131.
Hydrolethalus syndrome 2 (HLS2). Identifiers: Orphanet 2189, MedGen C3279899, MONDO:0013585, OMIM 614120.

Allele frequency attached by ClinVar (database versions not stated): gnomAD exomes 0.00001.
gnomAD v4.1: 16 of 1,461,136 alleles (0.0011%); highest among the groups gnomAD compares: East Asian, 0.032%; no homozygotes.

Submissions (2):

Fulgent Genetics
Classification: Uncertain significance for Acrocallosal syndrome; Multiple epiphyseal dysplasia, Al-Gazali type; Hydrolethalus syndrome 2. Last evaluated: 2024-03-04. Review status: criteria provided, single submitter. Criteria: ACMG Guidelines, 2015. Collection method: clinical testing. Allele origin: germline.

Labcorp Genetics (formerly Invitae), Labcorp
Classification: Uncertain significance for Acrocallosal syndrome. Last evaluated: 2023-12-11. Review status: criteria provided, single submitter. Criteria: Invitae Variant Classification Sherloc (09022015). Collection method: clinical testing. Allele origin: germline.
Comment: This sequence change replaces valine, which is neutral and non-polar, with methionine, which is neutral and non-polar, at codon 181 of the KIF7 protein (p.Val181Met). This variant is present in population databases (no rsID available, gnomAD 0.04%). This variant has not been reported in the literature in individuals affected with KIF7-related conditions. ClinVar contains an entry for this variant (Variation ID: 2056797). Advanced modeling of protein sequence and biophysical properties (such as structural, functional, and spatial information, amino acid conservation, physicochemical variation, residue mobility, and thermodynamic stability) performed at Invitae indicates that this missense variant is not expected to disrupt KIF7 protein function with a negative predictive value of 80%. In summary, the available evidence is currently insufficient to determine the role of this variant in disease. Therefore, it has been classified as a Variant of Uncertain Significance.